The following is an entry in ClinVar:

NM_000053.4(ATP7B):c.2299C>T (p.Pro767Ser)

Gene: ATP7B (ATPase copper transporting beta; minus strand). Cytogenetic location: 13q14.3.
Variant type: single nucleotide variant.
Coding change: c.2299C>T on transcript NM_000053.4 (MANE Select); coding-DNA position 2299, C replaced by T.
Protein change: p.Pro767Ser; replaces proline 767 with serine.
Molecular consequence: missense variant. On other transcripts: intron variant (14).
Genome position (GRCh38, 1-based): chr13:51,958,367, G>A on the plus strand (C>T on the coding strand, the complement: ATP7B is on the minus strand). VCF-style: chr13-51958367-G-A. GRCh37 (hg19) VCF-style: chr13-52532503-G-A.
Other names: c.1966C>T, p.Pro656Ser (NM_001243182.2); c.2047C>T, p.Pro683Ser (NM_001330579.2, NM_001406531.1, NM_001406532.1 and 1 more transcripts); c.2299C>T, p.Pro767Ser (NM_001406511.1, NM_001406512.1, NM_001406513.1 and 7 more transcripts); c.2266C>T, p.Pro756Ser (NM_001406514.1); c.2203C>T, p.Pro735Ser (NM_001406517.1, NM_001406518.1); c.2155C>T, p.Pro719Ser (NM_001406520.1, NM_001406521.1, NM_001406522.1 and 1 more transcripts); c.2122C>T, p.Pro708Ser (NM_001406524.1); c.2059C>T, p.Pro687Ser (NM_001406530.1); and 8 more; short protein forms P624S, P651S, P656S, P683S, P687S, P708S, P719S, P735S.
Identifiers: ClinVar variation 4063557 (VCV004063557.2).

ClinVar aggregate classification (germline): Likely pathogenic (1 of 4 stars; one submission).

Conditions:
Wilson disease (WND). Also called: Wilson's disease. Identifiers: Orphanet 905, MedGen C0019202, MONDO:0010200, OMIM 277900. Disease mechanism: loss of function.

Submission:

Natera, Inc.
Classification: Likely pathogenic for Wilson disease. Last evaluated: 2026-01-13. Review status: criteria provided, single submitter. Criteria: Natera Variant Classification Schema (03/2026). Collection method: clinical testing. Allele origin: germline.
Comment: The c.2299C>T variant in ATP7B is a missense variant predicted to cause substitution of proline to serine at amino acid 767. This variant is rare in the general population with a frequency below the threshold expected for the associated phenotype(s). This variant has been observed in one or more individuals affected with the associated recessive disease, as either homozygous or compound heterozygous with a second variant (PMID: 21034864, 37020998). Computational prediction algorithms indicate this variant is likely to affect gene or protein function. Given the available evidence, this variant is classified as Likely Pathogenic.

Literature cited by the submitters: PubMed 21034864; PubMed 37020998.